The following is an entry in ClinVar:

NM_000038.6(APC):c.4047C>A (p.His1349Gln)

Gene: APC (APC regulator of Wnt signaling pathway; plus strand). Cytogenetic location: 5q22.2.
Variant type: single nucleotide variant.
Coding change: c.4047C>A on transcript NM_000038.6 (MANE Select); coding-DNA position 4047, C replaced by A.
Protein change: p.His1349Gln; replaces histidine 1349 with glutamine.
Molecular consequence: missense variant. On other transcripts: non-coding transcript variant (2).
Genome position (GRCh38, 1-based): chr5:112,839,641, C>A. VCF-style: chr5-112839641-C-A. GRCh37 (hg19) VCF-style: chr5-112175338-C-A.
Other names: c.4047C>A, p.His1349Gln (NM_001127510.3, NM_001354895.2, NM_001407450.1); c.3993C>A, p.His1331Gln (NM_001127511.3); c.4101C>A, p.His1367Gln (NM_001354896.2, NM_001407447.1, NM_001407448.1 and 1 more transcripts); c.4077C>A, p.His1359Gln (NM_001354897.2); c.3972C>A, p.His1324Gln (NM_001354898.2); c.3963C>A, p.His1321Gln (NM_001354899.2); c.3924C>A, p.His1308Gln (NM_001354900.2); c.3870C>A, p.His1290Gln (NM_001354901.2, NM_001407453.1); and 11 more; short protein forms H1066Q, H1189Q, H1220Q, H1223Q, H1248Q, H1258Q, H1266Q, H1290Q.
Identifiers: ClinVar variation 3230407 (VCV003230407.1), dbSNP rs1561589419, ClinGen allele CA16030200.

ClinVar aggregate classification (germline): Uncertain significance (1 of 4 stars; one submission).

Conditions:
Hereditary cancer-predisposing syndrome. Also called: Neoplastic Syndromes, Hereditary; Tumor predisposition; Hereditary neoplastic syndrome; Hereditary Cancer Syndrome. Identifiers: Orphanet 140162, MedGen C0027672, MeSH D009386, MONDO:0015356.

Submission:

Ambry Genetics
Classification: Uncertain significance for Hereditary cancer-predisposing syndrome. Last evaluated: 2023-10-10. Review status: criteria provided, single submitter. Criteria: Ambry Variant Classification Scheme 2023. Collection method: clinical testing. Allele origin: germline.
Comment: The p.H1349Q variant (also known as c.4047C>A), located in coding exon 15 of the APC gene, results from a C to A substitution at nucleotide position 4047. The histidine at codon 1349 is replaced by glutamine, an amino acid with highly similar properties. This amino acid position is conserved. In addition, in silico predictors for this gene do not accurately predict pathogenicity. Since supporting evidence is limited at this time, the clinical significance of this alteration remains unclear.